The following is an entry in ClinVar:

ClinVar aggregate classification (germline): Uncertain significance (1 of 4 stars; one submission).

Submission:

Clinical Genomics Laboratory, Laboratory for Precision Diagnostics, University of Washington
Classification: Uncertain significance. Last evaluated: 2022-07-24. Review status: criteria provided, single submitter. Criteria: ACMG/ClinGen CNV Guidelines, 2019. Collection method: clinical testing. Allele origin: unknown. Affected: yes. Observed: 1 variant allele.
Comment: The duplication is approximately 450 kb in size and includes or overlaps three protein-coding genes: NRK, TBG, and PWWP3B. This region of Xq22.3 is not a known triplosensitive genomic region. Duplication of TBG, which encodes thyroxine-binding globulin, results in increased levels of serum TBG, which has no effect on thyroid function (OMIM 300932, PMID: 10580756). The centromeric breakpoint of the duplication lies within NRK. It is unknown whether this duplication would disrupt or affect the expression of NRK. The classification of this duplication is uncertain, per ACMGG interpretation standards (see References). This classification could change over time. The DECIPHER database has ten people with a similar duplication. The clinical features of these people are either unknown or, if known, are inconsistent between individuals. The duplication is either of unknown inheritance or inherited from a normal parent. This duplication appears in ClinVar with various classifications. Searches of the medical literature found no reports of similar duplications. A similar duplication appears in the Database of Genomic Variants (DGV - nsv521259) and in gnomAD (DUP_X_53985) but at low frequency.

Literature cited by the submitters: PubMed 10580756.

GRCh38/hg38 Xq22.3(chrX:105908290-106356816)x2

Genes: NRK (Nik related kinase; plus strand), PWWP3B (PWWP domain containing 3B; plus strand), SERPINA7 (serpin family A member 7; minus strand), LOC111365174 (HNF1 motif-containing MPRA enhancer 3; plus strand). Cytogenetic location: Xq22.3.
Variant type: copy number gain.
Change: copy number 2 of chrX:105,908,290-106,356,816 (448.5 kb, GRCh38 coordinates, 1-based), cytogenetic band Xq22.3.
Identifiers: ClinVar variation 4852098 (VCV004852098.1).